The following is an entry in ClinVar:

NM_001399.5(EDA):c.1045G>A (p.Ala349Thr)

Gene: EDA (ectodysplasin A; plus strand). Cytogenetic location: Xq13.1.
Variant type: single nucleotide variant.
Coding change: c.1045G>A on transcript NM_001399.5 (MANE Select); coding-DNA position 1045, G replaced by A.
Protein change: p.Ala349Thr; replaces alanine 349 with threonine.
Molecular consequence: missense variant.
Genome position (GRCh38, 1-based): chrX:70,035,478, G>A. VCF-style: chrX-70035478-G-A. GRCh37 (hg19) VCF-style: chrX-69255328-G-A.
Other names: c.1039G>A, p.Ala347Thr (NM_001005609.2); c.1030G>A, p.Ala344Thr (NM_001005612.3); short protein forms A349T, A344T, A347T.
Identifiers: ClinVar variation 11040 (VCV000011040.15), dbSNP rs132630317, ClinGen allele CA255657.
Genomic context (GRCh38, chrX:70,035,478, plus strand): 5'-TTCCTGCAGTGCACACGCAGCATCGAGACGGGCAAGACCAACTACAACACTTGCTATACC[G>A]CAGGCGTCTGCCTCCTCAAGGCCCGGCAGAAGATCGCCGTCAAGATGGTGCACGCTGACA-3'
Protein context (NP_001390.1, residues 339-359): GKTNYNTCYT[Ala349Thr]GVCLLKARQK

ClinVar aggregate classification (germline): Pathogenic. Review status: criteria provided, multiple submitters, no conflicts (2 of 4 stars). 4 submissions from 4 submitters: Pathogenic (3). 1 of the submissions does not count toward it. Last evaluated 2025-12-24.

Conditions:
Hypohidrotic X-linked ectodermal dysplasia (XHED). Also called: ECTODERMAL DYSPLASIA, HYPOHIDROTIC, 1; CST SYNDROME; ECTODERMAL DYSPLASIA 1; Anhidrotic ectodermal dysplasia X-linked; Christ Siemens Touraine syndrome; Christ-Siemans-Touraine syndrome. Identifiers: Orphanet 181, Orphanet 238468, MedGen C0162359, MONDO:0010585, OMIM 305100.
EDA-related disorder. Also called: EDA-related condition; EDA-related disorders.

gnomAD v4.1: 1 of 1,210,345 alleles (0.000083%); highest among the groups gnomAD compares: South Asian, 0.0018%; no homozygotes.

Submissions (4):

Labcorp Genetics (formerly Invitae), Labcorp
Classification: Pathogenic for Hypohidrotic X-linked ectodermal dysplasia. Last evaluated: 2025-12-24. Review status: criteria provided, single submitter. Criteria: Invitae Variant Classification Sherloc (09022015). Collection method: clinical testing. Allele origin: germline.
Comment: This sequence change replaces alanine, which is neutral and non-polar, with threonine, which is neutral and polar, at codon 349 of the EDA protein (p.Ala349Thr). This variant is not present in population databases (gnomAD no frequency). This missense change has been observed in individual(s) with ectodermal dysplasia (PMID: 9683615, 15461765). In at least one individual the variant was observed to be de novo. ClinVar contains an entry for this variant (Variation ID: 11040). Invitae Evidence Modeling of protein sequence and biophysical properties (such as structural, functional, and spatial information, amino acid conservation, physicochemical variation, residue mobility, and thermodynamic stability) indicates that this missense variant is not expected to disrupt EDA protein function with a negative predictive value of 80%. For these reasons, this variant has been classified as Pathogenic.

GeneDx
Classification: Pathogenic. Last evaluated: 2023-09-01. Review status: criteria provided, single submitter. Criteria: GeneDx Variant Classification Process June 2021. Collection method: clinical testing. Allele origin: germline. Affected: yes.
Comment: Not observed in large population cohorts (gnomAD); Missense variants in this gene are often considered pathogenic (HGMD); In silico analysis supports that this missense variant does not alter protein structure/function; This variant is associated with the following publications: (PMID: 11343303, 18666859, 21457804, 30192988, 15461765, 35131284, 22446708, 22566850, 30117778, 31129666, 24312213, 11295832, 9683615, 34863015, 26582918, 24077912)

Blueprint Genetics
Classification: Pathogenic for EDA-related disorders. Last evaluated: 2023-04-21. Review status: criteria provided, single submitter. Criteria: ACMG Guidelines, 2015. Collection method: clinical testing. Allele origin: germline. Affected: yes. Observed: 2 variant alleles.

OMIM
Classification: Pathogenic for ECTODERMAL DYSPLASIA 1, HYPOHIDROTIC/HAIR/TOOTH TYPE, X-LINKED. Last evaluated: 1998-08-01. Review status: no assertion criteria provided. Collection method: literature only. Allele origin: germline. Not counted in ClinVar's aggregate classification.

Literature cited by the submitters: PubMed 9683615 (cited by Labcorp Genetics (formerly Invitae), Labcorp and OMIM); PubMed 15461765 (cited by Labcorp Genetics (formerly Invitae), Labcorp).